The following is an entry in ClinVar:

NM_005359.6(SMAD4):c.1200G>T (p.Arg400Ser)

Gene: SMAD4 (SMAD family member 4; plus strand). Cytogenetic location: 18q21.2.
Variant type: single nucleotide variant.
Coding change: c.1200G>T on transcript NM_005359.6 (MANE Select); coding-DNA position 1200, G replaced by T.
Protein change: p.Arg400Ser; replaces arginine 400 with serine.
Molecular consequence: missense variant.
Genome position (GRCh38, 1-based): chr18:51,067,079, G>T. VCF-style: chr18-51067079-G-T. GRCh37 (hg19) VCF-style: chr18-48593449-G-T.
Other names: short protein forms R400S.
Identifiers: ClinVar variation 230347 (VCV000230347.19), dbSNP rs876658516, ClinGen allele CA10580986.

ClinVar aggregate classification (germline): Uncertain significance. Review status: criteria provided, multiple submitters, no conflicts (2 of 4 stars). 4 submissions from 4 submitters: Uncertain significance (4). Last evaluated 2024-11-08.

Conditions:
Juvenile polyposis syndrome (JPS). Identifiers: Orphanet 2929, MedGen C0345893, MONDO:0017380, OMIM 174900.
Familial thoracic aortic aneurysm and aortic dissection (TAAD). Also called: Thoracic aortic aneurysms and dissections. Identifiers: Orphanet 91387, MedGen C4707243, MONDO:0019625.
Hereditary cancer-predisposing syndrome. Also called: Tumor predisposition; Neoplastic Syndromes, Hereditary; Hereditary neoplastic syndrome; Hereditary Cancer Syndrome. Identifiers: Orphanet 140162, MedGen C0027672, MeSH D009386, MONDO:0015356.
Juvenile polyposis/hereditary hemorrhagic telangiectasia syndrome (JPHT). Also called: Juvenile Polyposis Syndrome / Hereditary Hemorrhagic Telangiectasia (JPS/HHT); JP/HHT SYNDROME; JUVENILE POLYPOSIS WITH HEREDITARY HEMORRHAGIC TELANGIECTASIA; POLYPOSIS, GENERALIZED JUVENILE, WITH PULMONARY ARTERIOVENOUS MALFORMATION; TELANGIECTASIA, HEREDITARY HEMORRHAGIC, WITH JUVENILE POLYPOSIS COLI. Identifiers: Orphanet 2929, MedGen C1832942, MONDO:0008278, OMIM 175050.

Submissions (4):

Ambry Genetics
Classification: Uncertain significance for Hereditary cancer-predisposing syndrome; Familial thoracic aortic aneurysm and aortic dissection. Last evaluated: 2024-11-08. Review status: criteria provided, single submitter. Criteria: Ambry Variant Classification Scheme 2023. Collection method: clinical testing. Allele origin: germline.
Comment: The p.R400S variant (also known as c.1200G>T), located in coding exon 9 of the SMAD4 gene, results from a G to T substitution at nucleotide position 1200. The arginine at codon 400 is replaced by serine, an amino acid with dissimilar properties. This amino acid position is highly conserved in available vertebrate species. In addition, this alteration is predicted to be deleterious by in silico analysis. Based on the available evidence, the clinical significance of this variant remains unclear.

Labcorp Genetics (formerly Invitae), Labcorp
Classification: Uncertain significance for Juvenile polyposis syndrome. Last evaluated: 2024-04-22. Review status: criteria provided, single submitter. Criteria: Invitae Variant Classification Sherloc (09022015). Collection method: clinical testing. Allele origin: germline.
Comment: This sequence change replaces arginine, which is basic and polar, with serine, which is neutral and polar, at codon 400 of the SMAD4 protein (p.Arg400Ser). This variant is not present in population databases (gnomAD no frequency). This variant has not been reported in the literature in individuals affected with SMAD4-related conditions. ClinVar contains an entry for this variant (Variation ID: 230347). Advanced modeling of protein sequence and biophysical properties (such as structural, functional, and spatial information, amino acid conservation, physicochemical variation, residue mobility, and thermodynamic stability) has been performed at Invitae for this missense variant, however the output from this modeling did not meet the statistical confidence thresholds required to predict the impact of this variant on SMAD4 protein function. In summary, the available evidence is currently insufficient to determine the role of this variant in disease. Therefore, it has been classified as a Variant of Uncertain Significance.

All of Us Research Program, National Institutes of Health
Classification: Uncertain significance for Juvenile polyposis/hereditary hemorrhagic telangiectasia syndrome. Last evaluated: 2024-04-16. Review status: criteria provided, single submitter. Criteria: ACMG Guidelines, 2015. Collection method: clinical testing. Allele origin: germline. Inheritance: Autosomal dominant inheritance. Observed: 1 variant allele, 1 heterozygote.
Comment: This missense variant replaces arginine with serine at codon 400 of the SMAD4 protein. Computational prediction suggests that this variant may have deleterious impact on protein structure and function (internally defined REVEL score threshold >= 0.7, PMID: 27666373). To our knowledge, functional studies have not been reported for this variant. This variant has not been reported in individuals affected with SMAD4-related disorders in the literature. This variant has not been identified in the general population by the Genome Aggregation Database (gnomAD). The available evidence is insufficient to determine the role of this variant in disease conclusively. Therefore, this variant is classified as a Variant of Uncertain Significance.

This study involves interpretation of variants in research participants for the purpose of population health screening. Participant phenotype was not available at the time of variant classification. Additional details can be found in publication PMID: 35346344, PMCID: PMC8962531

GeneDx
Classification: Uncertain significance. Last evaluated: 2022-10-11. Review status: criteria provided, single submitter. Criteria: GeneDx Variant Classification Process June 2021. Collection method: clinical testing. Allele origin: germline. Affected: yes.
Comment: Not observed at significant frequency in large population cohorts (gnomAD); In silico analysis supports that this missense variant has a deleterious effect on protein structure/function; Has not been previously published as pathogenic or benign to our knowledge; This variant is associated with the following publications: (PMID: 15235019, 18823382, 17873119)